The following is an entry in ClinVar:

NM_004655.4(AXIN2):c.2270A>T (p.His757Leu)

Gene: AXIN2 (axin 2; minus strand). Cytogenetic location: 17q24.1.
Variant type: single nucleotide variant.
Coding change: c.2270A>T on transcript NM_004655.4 (MANE Select); coding-DNA position 2270, A replaced by T.
Protein change: p.His757Leu; replaces histidine 757 with leucine.
Molecular consequence: missense variant.
Genome position (GRCh38, 1-based): chr17:65,534,047, T>A on the plus strand (A>T on the coding strand, the complement: AXIN2 is on the minus strand). VCF-style: chr17-65534047-T-A. GRCh37 (hg19) VCF-style: chr17-63530165-T-A.
Other names: c.2075A>T, p.His692Leu (NM_001363813.1); short protein forms H692L, H757L.
Identifiers: ClinVar variation 2694667 (VCV002694667.3), dbSNP rs1567752208, ClinGen allele CA400675614.

ClinVar aggregate classification (germline): Uncertain significance (1 of 4 stars; one submission).

Conditions:
Oligodontia-cancer predisposition syndrome. Also called: TOOTH AGENESIS-COLORECTAL CANCER SYNDROME. Identifiers: Orphanet 300576, MedGen C1837750, MONDO:0012075, OMIM 608615. Disease mechanism: loss of function.

Submission:

Labcorp Genetics (formerly Invitae), Labcorp
Classification: Uncertain significance for Oligodontia-cancer predisposition syndrome. Last evaluated: 2023-11-10. Review status: criteria provided, single submitter. Criteria: Invitae Variant Classification Sherloc (09022015). Collection method: clinical testing. Allele origin: germline.
Comment: This sequence change replaces histidine, which is basic and polar, with leucine, which is neutral and non-polar, at codon 757 of the AXIN2 protein (p.His757Leu). This variant is not present in population databases (gnomAD no frequency). This variant has not been reported in the literature in individuals affected with AXIN2-related conditions. Advanced modeling of protein sequence and biophysical properties (such as structural, functional, and spatial information, amino acid conservation, physicochemical variation, residue mobility, and thermodynamic stability) performed at Invitae indicates that this missense variant is not expected to disrupt AXIN2 protein function with a negative predictive value of 80%. In summary, the available evidence is currently insufficient to determine the role of this variant in disease. Therefore, it has been classified as a Variant of Uncertain Significance.